The following is an entry in ClinVar:

NM_172240.3(POC1B):c.298G>A (p.Ala100Thr)

Genes: POC1B (POC1 centriolar protein B; minus strand), POC1B-DUSP6 (POC1B-DUSP6 readthrough; minus strand). Cytogenetic location: 12q21.33.
Variant type: single nucleotide variant.
Coding change: c.298G>A on transcript NM_172240.3 (MANE Select); coding-DNA position 298, G replaced by A.
Protein change: p.Ala100Thr; replaces alanine 100 with threonine.
Molecular consequence: missense variant. On other transcripts: non-coding transcript variant (2).
Genome position (GRCh38, 1-based): chr12:89,492,090, C>T on the plus strand (G>A on the coding strand, the complement: POC1B is on the minus strand). VCF-style: chr12-89492090-C-T. GRCh37 (hg19) VCF-style: chr12-89885867-C-T.
Other names: c.172G>A, p.Ala58Thr (NM_001199777.2); short protein forms A100T, A58T.
Identifiers: ClinVar variation 1938037 (VCV001938037.5), dbSNP rs1869011872, ClinGen allele CA385991952.

ClinVar aggregate classification (germline): Uncertain significance (1 of 4 stars; one submission).

Allele frequency attached by ClinVar (database versions not stated): TOPMed below 0.00001; gnomAD 0.00001.
gnomAD v4.1: 1 of 1,565,168 alleles (0.000064%); highest among the groups gnomAD compares: Admixed American, 0.0021%; no homozygotes.

Submission:

Labcorp Genetics (formerly Invitae), Labcorp
Classification: Uncertain significance. Last evaluated: 2022-07-13. Review status: criteria provided, single submitter. Criteria: Invitae Variant Classification Sherloc (09022015). Collection method: clinical testing. Allele origin: germline.
Comment: This variant has not been reported in the literature in individuals affected with POC1B-related conditions. Advanced modeling of protein sequence and biophysical properties (such as structural, functional, and spatial information, amino acid conservation, physicochemical variation, residue mobility, and thermodynamic stability) performed at Invitae indicates that this missense variant is not expected to disrupt POC1B protein function. In summary, the available evidence is currently insufficient to determine the role of this variant in disease. Therefore, it has been classified as a Variant of Uncertain Significance. This variant is not present in population databases (gnomAD no frequency). This sequence change replaces alanine, which is neutral and non-polar, with threonine, which is neutral and polar, at codon 100 of the POC1B protein (p.Ala100Thr).